The following is an entry in ClinVar:

ClinVar aggregate classification (germline): Uncertain significance (1 of 4 stars; one submission).

Submission:

GeneDx
Classification: Uncertain significance. Last evaluated: 2024-01-05. Review status: criteria provided, single submitter. Criteria: GeneDx Variant Classification Process June 2021. Collection method: clinical testing. Allele origin: germline. Affected: yes.
Comment: Not observed at significant frequency in large population cohorts (gnomAD); In silico analysis supports that this missense variant has a deleterious effect on protein structure/function; Has not been previously published as pathogenic or benign to our knowledge

NM_015557.3(CHD5):c.3470G>T (p.Arg1157Leu)

Gene: CHD5 (chromodomain helicase DNA binding protein 5; minus strand). Cytogenetic location: 1p36.31.
Variant type: single nucleotide variant.
Coding change: c.3470G>T on transcript NM_015557.3 (MANE Select); coding-DNA position 3470, G replaced by T.
Protein change: p.Arg1157Leu; replaces arginine 1157 with leucine.
Molecular consequence: missense variant.
Genome position (GRCh38, 1-based): chr1:6,128,987, C>A on the plus strand (G>T on the coding strand, the complement: CHD5 is on the minus strand). VCF-style: chr1-6128987-C-A. GRCh37 (hg19) VCF-style: chr1-6189047-C-A.
Other names: short protein forms R1157L.
Identifiers: ClinVar variation 3367650 (VCV003367650.1).